The following is an entry in ClinVar:

NM_000327.4(ROM1):c.704C>T (p.Ala235Val)

Gene: ROM1 (retinal outer segment membrane protein 1; plus strand). Cytogenetic location: 11q12.3.
Variant type: single nucleotide variant.
Coding change: c.704C>T on transcript NM_000327.4 (MANE Select); coding-DNA position 704, C replaced by T.
Protein change: p.Ala235Val; replaces alanine 235 with valine.
Molecular consequence: missense variant.
Genome position (GRCh38, 1-based): chr11:62,614,371, C>T. VCF-style: chr11-62614371-C-T. GRCh37 (hg19) VCF-style: chr11-62381843-C-T.
Other names: short protein forms A235V.
Identifiers: ClinVar variation 1063014 (VCV001063014.9), dbSNP rs2134423463, ClinGen allele CA380971961.

ClinVar aggregate classification (germline): Uncertain significance (1 of 4 stars; one submission).

Submission:

Labcorp Genetics (formerly Invitae), Labcorp
Classification: Uncertain significance. Last evaluated: 2021-03-09. Review status: criteria provided, single submitter. Criteria: Invitae Variant Classification Sherloc (09022015). Collection method: clinical testing. Allele origin: germline.
Comment: This sequence change replaces alanine with valine at codon 235 of the ROM1 protein (p.Ala235Val). The alanine residue is highly conserved and there is a small physicochemical difference between alanine and valine. This variant is not present in population databases (ExAC no frequency). This variant has not been reported in the literature in individuals with ROM1-related conditions. Algorithms developed to predict the effect of missense changes on protein structure and function output the following: SIFT: "Tolerated"; PolyPhen-2: "Benign"; Align-GVGD: "Class C0". The valine amino acid residue is found in multiple mammalian species, suggesting that this missense change does not adversely affect protein function. These predictions have not been confirmed by published functional studies and their clinical significance is uncertain. In summary, the available evidence is currently insufficient to determine the role of this variant in disease. Therefore, it has been classified as a Variant of Uncertain Significance.